The following is an entry in ClinVar:

ClinVar aggregate classification (germline): Likely pathogenic (1 of 4 stars; one submission).

Conditions:
Primary ciliary dyskinesia. Also called: Ciliary dyskinesia. Identifiers: Orphanet 244, MedGen C0008780, MONDO:0016575, HP:0012265.

Submission:

Natera, Inc.
Classification: Likely pathogenic for Primary ciliary dyskinesia. Last evaluated: 2025-10-19. Review status: criteria provided, single submitter. Criteria: Natera Variant Classification Schema (03/2026). Collection method: clinical testing. Allele origin: germline.
Comment: The c.6629del variant in DNAH5 is a frameshift variant predicted to shift the reading frame beginning at codon 2210 and leads to a stop codon 26 codons downstream. This variant is expected to result in nonsense mediated decay, truncation, or a dysfunctional protein product. This variant is rare in the general population with a frequency below the threshold expected for the associated phenotype(s). Given the available evidence, this variant is classified as Likely Pathogenic.

NM_001369.3(DNAH5):c.6629del (p.Pro2210fs)

Gene: DNAH5 (dynein axonemal heavy chain 5; minus strand). Cytogenetic location: 5p15.2.
Variant type: Deletion.
Coding change: c.6629del on transcript NM_001369.3 (MANE Select); coding-DNA position 6629, one base deleted (C; older notation c.6629delC).
Protein change: p.Pro2210fs; shifts the reading frame from proline 2210.
Molecular consequence: frameshift variant.
Genome position (GRCh38, 1-based): chr5:13,823,321, G deleted on the plus strand (C on the coding strand, the reverse complement: DNAH5 is on the minus strand); the first of 2 consecutive G bases (chr5:13,823,321-13,823,322); deleting either gives the same sequence. VCF-style (leftmost placement, unchanged base first): chr5-13823320-TG-T. GRCh37 (hg19) VCF-style: chr5-13823429-TG-T.
Other names: short protein forms P2210fs.
Identifiers: ClinVar variation 4814910 (VCV004814910.1).